The following is an entry in ClinVar:

NM_000552.5(VWF):c.976G>A (p.Val326Met)

Gene: VWF (von Willebrand factor; minus strand). Cytogenetic location: 12p13.31.
Variant type: single nucleotide variant.
Coding change: c.976G>A on transcript NM_000552.5 (MANE Select); coding-DNA position 976, G replaced by A.
Protein change: p.Val326Met; replaces valine 326 with methionine.
Molecular consequence: missense variant.
Genome position (GRCh38, 1-based): chr12:6,073,640, C>T on the plus strand (G>A on the coding strand, the complement: VWF is on the minus strand). VCF-style: chr12-6073640-C-T. GRCh37 (hg19) VCF-style: chr12-6182806-C-T.
Other names: short protein forms V326M.
Identifiers: ClinVar variation 3376255 (VCV003376255.2).

ClinVar aggregate classification (germline): Uncertain significance. Review status: criteria provided, multiple submitters, no conflicts (2 of 4 stars). 2 submissions from 2 submitters: Uncertain significance (2). Last evaluated 2025-07-30.

Conditions:
von Willebrand disease type 1 (VWD1). Also called: VON WILLEBRAND DISEASE, TYPE I; VWD, TYPE 1. Identifiers: Orphanet 166078, Orphanet 903, MedGen C1264039, MONDO:0008668, OMIM 193400. Inheritance: autosomal recessive or autosomal dominant.
VWF-related disorder. Also called: VWF-related disorders; VWF-related condition.

gnomAD v4.1: 17 of 1,614,130 alleles (0.0011%); highest among the groups gnomAD compares: African/African-American, 0.0027%; no homozygotes.

Submissions (2):

PreventionGenetics, part of Exact Sciences
Classification: Uncertain significance for VWF-related condition. Last evaluated: 2025-07-30. Review status: criteria provided, single submitter. Criteria: ACMG Guidelines, 2015. Collection method: clinical testing. Allele origin: germline.
Comment: The VWF c.976G>A variant is predicted to result in the amino acid substitution p.Val326Met. To our knowledge, this variant has not been reported in the literature or in a large population database (gnomAD), indicating this variant is rare. At this time, the clinical significance of this variant is uncertain due to the absence of conclusive functional and genetic evidence.

Pittsburgh Clinical Genomics Laboratory, University of Pittsburgh Medical Center
Classification: Uncertain significance for von Willebrand disease type 1. Last evaluated: 2023-10-12. Review status: criteria provided, single submitter. Criteria: ACMG Guidelines, 2015. Collection method: clinical testing. Allele origin: germline. Inheritance: Autosomal unknown. Affected: yes.
Comment: This sequence variant is a single nucleotide substitution (G>A) at position 976 of the coding sequence of the VWF gene that results in a valine to methionine amino acid change at residue 326 of the von Willebrand factor protein. The 326 residue falls in the domain first trypsin-inhibitor-like domain (UniProt, PMID: 22490677). This variant is absent from ClinVar. This variant is absent from the gnomAD population database (0/~250,000 alleles). Multiple bioinformatic tools predict that this Val to Met amino acid change would be neutral, and the Val326 residue at this position is highly conserved across the vertebrate species examined. Studies examining the functiol consequence of this variant have not been published, to our knowledge. At this time, there is insufficient evidence to determine if this variant is pathogenic or benign. Therefore, we consider this a variant of uncertain significance. ACMG Criteria: PM2, PP2

Literature cited by the submitters: PubMed 22490677 (cited by Pittsburgh Clinical Genomics Laboratory, University of Pittsburgh Medical Center).